The following is an entry in ClinVar:

NM_001289125.3(IFNAR2):c.1228G>A (p.Asp410Asn)

Genes: IFNAR2 (interferon alpha and beta receptor subunit 2; plus strand), IFNAR2-IL10RB (IFNAR2-IL10RB readthrough; plus strand). Cytogenetic location: 21q22.11.
Variant type: single nucleotide variant.
Coding change: c.1228G>A on transcript NM_001289125.3 (MANE Select); coding-DNA position 1228, G replaced by A.
Protein change: p.Asp410Asn; replaces aspartic acid 410 with asparagine.
Molecular consequence: missense variant. On other transcripts: 3 prime UTR variant (5).
Genome position (GRCh38, 1-based): chr21:33,263,180, G>A. VCF-style: chr21-33263180-G-A. GRCh37 (hg19) VCF-style: chr21-34635485-G-A.
Other names: c.*464G>A (NM_000874.5, NM_207584.3); c.*377G>A (NM_001289126.2, NM_001289128.2); c.*603G>A (NM_001385054.1); c.1228G>A, p.Asp410Asn (NM_001385055.1, NM_207585.3); short protein forms D410N.
Identifiers: ClinVar variation 1939325 (VCV001939325.2), dbSNP rs376817059, ClinGen allele CA10005943.

ClinVar aggregate classification (germline): Uncertain significance (1 of 4 stars; one submission).

Allele frequency attached by ClinVar (database versions not stated): gnomAD exomes 0.00002; TOPMed 0.00004; ExAC 0.00011; ESP Exome Variant Server 0.00015.

Submission:

Labcorp Genetics (formerly Invitae), Labcorp
Classification: Uncertain significance. Last evaluated: 2022-02-11. Review status: criteria provided, single submitter. Criteria: Invitae Variant Classification Sherloc (09022015). Collection method: clinical testing. Allele origin: germline.
Comment: This sequence change replaces aspartic acid, which is acidic and polar, with asparagine, which is neutral and polar, at codon 410 of the IFNAR2 protein (p.Asp410Asn). This variant is present in population databases (rs376817059, gnomAD 0.01%). This variant has not been reported in the literature in individuals affected with IFNAR2-related conditions. Algorithms developed to predict the effect of missense changes on protein structure and function output the following: SIFT: "Tolerated"; PolyPhen-2: "Possibly Damaging"; Align-GVGD: "Class C0". The asparagine amino acid residue is found in multiple mammalian species, which suggests that this missense change does not adversely affect protein function. In summary, the available evidence is currently insufficient to determine the role of this variant in disease. Therefore, it has been classified as a Variant of Uncertain Significance.